The following is an entry in ClinVar:

ClinVar aggregate classification (germline): Uncertain significance (1 of 4 stars; one submission).

Conditions:
Familial adenomatous polyposis 1 (FAP1). Also called: FAMILIAL ADENOMATOUS POLYPOSIS 1, ATTENUATED; POLYPOSIS, ADENOMATOUS INTESTINAL. Identifiers: MedGen C2713442, MONDO:0021056, OMIM 175100. Disease mechanism: loss of function.

Allele frequency attached by ClinVar (database versions not stated): TOPMed below 0.00001.

Submission:

Labcorp Genetics (formerly Invitae), Labcorp
Classification: Uncertain significance for Familial adenomatous polyposis 1. Last evaluated: 2021-09-01. Review status: criteria provided, single submitter. Criteria: Invitae Variant Classification Sherloc (09022015). Collection method: clinical testing. Allele origin: germline.
Comment: This variant occurs in a non-coding region of the APC gene. It does not change the encoded amino acid sequence of the APC protein. The frequency data for this variant in the population databases is considered unreliable, as metrics indicate insufficient coverage at this position in the ExAC database. This variant has not been reported in the literature in individuals affected with APC-related conditions. Experimental studies and prediction algorithms are not available or were not evaluated, and the functional significance of this variant is currently unknown. In summary, the available evidence is currently insufficient to determine the role of this variant in disease. Therefore, it has been classified as a Variant of Uncertain Significance.

NC_000005.10:g.112707361C>G

Gene: APC (APC regulator of Wnt signaling pathway; plus strand). Cytogenetic location: 5q22.2.
Variant type: single nucleotide variant.
Genome position: GRCh38 VCF-style: chr5-112707361-C-G. GRCh37 (hg19) VCF-style: chr5-112043058-C-G.
Identifiers: ClinVar variation 1036580 (VCV001036580.2), dbSNP rs1750551783, ClinGen allele CA1573442201.